The following is an entry in ClinVar:

NM_003791.4(MBTPS1):c.1372A>G (p.Met458Val)

Gene: MBTPS1 (membrane bound transcription factor peptidase, site 1; minus strand). Cytogenetic location: 16q23.3.
Variant type: single nucleotide variant.
Coding change: c.1372A>G on transcript NM_003791.4 (MANE Select); coding-DNA position 1372, A replaced by G.
Protein change: p.Met458Val; replaces methionine 458 with valine.
Molecular consequence: missense variant.
Genome position (GRCh38, 1-based): chr16:84,081,823, T>C on the plus strand (A>G on the coding strand, the complement: MBTPS1 is on the minus strand). VCF-style: chr16-84081823-T-C. GRCh37 (hg19) VCF-style: chr16-84115428-T-C.
Other names: short protein forms M458V.
Identifiers: ClinVar variation 1935673 (VCV001935673.5), dbSNP rs1185692325, ClinGen allele CA396934086.

ClinVar aggregate classification (germline): Uncertain significance (1 of 4 stars; one submission).

Allele frequency attached by ClinVar (database versions not stated): gnomAD exomes below 0.00001.
gnomAD v4.1: 6 of 1,532,490 alleles (0.00039%); highest among the groups gnomAD compares: South Asian, 0.0013%; no homozygotes.

Submission:

Labcorp Genetics (formerly Invitae), Labcorp
Classification: Uncertain significance. Last evaluated: 2025-06-09. Review status: criteria provided, single submitter. Criteria: Invitae Variant Classification Sherloc (09022015). Collection method: clinical testing. Allele origin: germline.
Comment: This sequence change replaces methionine, which is neutral and non-polar, with valine, which is neutral and non-polar, at codon 458 of the MBTPS1 protein (p.Met458Val). This variant is not present in population databases (gnomAD no frequency). This variant has not been reported in the literature in individuals affected with MBTPS1-related conditions. ClinVar contains an entry for this variant (Variation ID: 1935673). An algorithm developed to predict the effect of missense changes on protein structure and function (PolyPhen-2) suggests that this variant is likely to be tolerated. In summary, the available evidence is currently insufficient to determine the role of this variant in disease. Therefore, it has been classified as a Variant of Uncertain Significance.